The following is an entry in ClinVar:

NM_000138.5(FBN1):c.1530G>C (p.Ser510=)

Gene: FBN1 (fibrillin 1; minus strand). Cytogenetic location: 15q21.1.
Variant type: single nucleotide variant.
Coding change: c.1530G>C on transcript NM_000138.5 (MANE Select); coding-DNA position 1530, G replaced by C.
Protein change: p.Ser510=; no amino-acid change (serine 510 retained).
Molecular consequence: synonymous variant.
Genome position (GRCh38, 1-based): chr15:48,513,607, C>G on the plus strand (G>C on the coding strand, the complement: FBN1 is on the minus strand). VCF-style: chr15-48513607-C-G. GRCh37 (hg19) VCF-style: chr15-48805804-C-G.
Other names: c.1530G>C, p.Ser510= (NM_001406716.1).
Identifiers: ClinVar variation 3071508 (VCV003071508.5), dbSNP rs147511977, ClinGen allele CA490028079.

ClinVar aggregate classification (germline): Likely benign. Review status: criteria provided, multiple submitters, no conflicts (2 of 4 stars). 3 submissions from 3 submitters: Likely benign (3). Last evaluated 2026-05-11.

Conditions:
Marfan syndrome (MFS). Also called: MARFAN SYNDROME, TYPE I; Marfan syndrome type 1; Marfan's syndrome; Marfan syndrome, classic; FBN1-Related Marfan Syndrome. Identifiers: Orphanet 284963, Orphanet 558, MedGen C0024796, MONDO:0007947, OMIM 154700.
Familial thoracic aortic aneurysm and aortic dissection (TAAD). Also called: Thoracic aortic aneurysms and dissections. Identifiers: Orphanet 91387, MedGen C4707243, MONDO:0019625.

gnomAD v4.1: 1 of 1,613,974 alleles (0.000062%); highest among the groups gnomAD compares: Admixed American, 0.0017%; no homozygotes.

Submissions (3):

Women's Health and Genetics/Laboratory Corporation of America, LabCorp
Classification: Likely benign. Last evaluated: 2026-05-11. Review status: criteria provided, single submitter. Criteria: LabCorp Variant Classification Summary - May 2015. Collection method: clinical testing. Allele origin: germline.

Labcorp Genetics (formerly Invitae), Labcorp
Classification: Likely benign for Marfan syndrome; Familial thoracic aortic aneurysm and aortic dissection. Last evaluated: 2024-11-15. Review status: criteria provided, single submitter. Criteria: Invitae Variant Classification Sherloc (09022015). Collection method: clinical testing. Allele origin: germline.

All of Us Research Program, National Institutes of Health
Classification: Likely benign for Marfan syndrome. Last evaluated: 2024-06-17. Review status: criteria provided, single submitter. Criteria: ACMG Guidelines, 2015. Collection method: clinical testing. Allele origin: germline. Inheritance: Autosomal dominant inheritance. Observed: 3 variant alleles, 3 heterozygotes.
Comment: This study involves interpretation of variants in research participants for the purpose of population health screening. Participant phenotype was not available at the time of variant classification. Additional details can be found in publication PMID: 35346344, PMCID: PMC8962531